The following is an entry in ClinVar:

NM_182961.4(SYNE1):c.681G>T (p.Leu227Phe)

Gene: SYNE1 (spectrin repeat containing nuclear envelope protein 1; minus strand). Cytogenetic location: 6q25.2.
Variant type: single nucleotide variant.
Coding change: c.681G>T on transcript NM_182961.4 (MANE Select); coding-DNA position 681, G replaced by T.
Protein change: p.Leu227Phe; replaces leucine 227 with phenylalanine.
Molecular consequence: missense variant.
Genome position (GRCh38, 1-based): chr6:152,505,298, C>A on the plus strand (G>T on the coding strand, the complement: SYNE1 is on the minus strand). VCF-style: chr6-152505298-C-A. GRCh37 (hg19) VCF-style: chr6-152826433-C-A.
Other names: c.702G>T, p.Leu234Phe (NM_033071.5); c.681G>T (NM_182961.2); short protein forms L234F, L227F.
Identifiers: ClinVar variation 908035 (VCV000908035.10), dbSNP rs867285350, ClinGen allele CA150238550.

ClinVar aggregate classification (germline): Uncertain significance. Review status: criteria provided, multiple submitters, no conflicts (2 of 4 stars). 4 submissions from 3 submitters: Uncertain significance (4). Last evaluated 2024-06-14.

Conditions:
Emery-Dreifuss muscular dystrophy 4, autosomal dominant (EDMD4). Also called: EMERY-DREIFUSS MUSCULAR DYSTROPHY 4 WITH VARIABLE FEATURES. Identifiers: Orphanet 261, MedGen C2751807, MONDO:0013071, OMIM 612998.
Autosomal recessive ataxia, Beauce type. Also called: ATAXIA, RECESSIVE, OF BEAUCE; SYNE1 Deficiency; SYNE1-Related Autosomal Recessive Cerebellar Ataxia; Spinocerebellar ataxia, autosomal recessive 8. Identifiers: Orphanet 88644, MedGen C1853116, MONDO:0012549, OMIM 610743.

Allele frequency attached by ClinVar (database versions not stated): gnomAD exomes below 0.00001; TOPMed 0.00001.

Submissions (4):

Athena Diagnostics
Classification: Uncertain significance. Last evaluated: 2024-06-14. Review status: criteria provided, single submitter. Criteria: Athena Diagnostics Criteria. Collection method: clinical testing. Allele origin: unknown.
Comment: Available data are insufficient to determine the clinical significance of the variant at this time. The frequency of this variant in the general population is uninformative in assessment of its pathogenicity. Polyphen and MutationTaster predict this amino acid change may be benign.

Labcorp Genetics (formerly Invitae), Labcorp
Classification: Uncertain significance for Emery-Dreifuss muscular dystrophy 4, autosomal dominant; Autosomal recessive ataxia, Beauce type. Last evaluated: 2022-08-16. Review status: criteria provided, single submitter. Criteria: Invitae Variant Classification Sherloc (09022015). Collection method: clinical testing. Allele origin: germline.
Comment: In summary, the available evidence is currently insufficient to determine the role of this variant in disease. Therefore, it has been classified as a Variant of Uncertain Significance. Algorithms developed to predict the effect of missense changes on protein structure and function output the following: SIFT: "Tolerated"; PolyPhen-2: "Benign"; Align-GVGD: "Class C0". The phenylalanine amino acid residue is found in multiple mammalian species, which suggests that this missense change does not adversely affect protein function. ClinVar contains an entry for this variant (Variation ID: 908035). This variant has not been reported in the literature in individuals affected with SYNE1-related conditions. This variant is present in population databases (no rsID available, gnomAD 0.008%). This sequence change replaces leucine, which is neutral and non-polar, with phenylalanine, which is neutral and non-polar, at codon 234 of the SYNE1 protein (p.Leu234Phe).

Illumina Laboratory Services, Illumina
Classification: Uncertain significance for Emery-Dreifuss muscular dystrophy 4, autosomal dominant. Last evaluated: 2018-01-12. Review status: criteria provided, single submitter. Criteria: ICSL Variant Classification Criteria 13 December 2019. Collection method: clinical testing. Allele origin: germline.

Illumina Laboratory Services, Illumina
Classification: Uncertain significance for Autosomal recessive ataxia, Beauce type. Last evaluated: 2018-01-12. Review status: criteria provided, single submitter. Criteria: ICSL Variant Classification Criteria 13 December 2019. Collection method: clinical testing. Allele origin: germline.